The following is an entry in ClinVar:

ClinVar aggregate classification (germline): Uncertain significance. Review status: criteria provided, multiple submitters, no conflicts (2 of 4 stars). 2 submissions from 2 submitters: Uncertain significance (2). Last evaluated 2023-04-06.

Conditions:
Schizophrenia 4 (SCZD4). Also called: SCHIZOPHRENIA SUSCEPTIBILITY LOCUS, CHROMOSOME 22q11-RELATED; SCHIZOPHRENIA, SUSCEPTIBILITY TO, 4. Identifiers: MedGen C1833247, MONDO:0010943, OMIM 600850.
Proline dehydrogenase deficiency (HYRPRO1). Also called: PROLINE OXIDASE DEFICIENCY; Hyperprolinemia type 1. Identifiers: Orphanet 419, MedGen C0268529, MONDO:0009400, OMIM 239500.

Allele frequency attached by ClinVar (database versions not stated): gnomAD exomes 0.00001; ExAC 0.00002; gnomAD 0.00003.

Submissions (2):

Labcorp Genetics (formerly Invitae), Labcorp
Classification: Uncertain significance for Proline dehydrogenase deficiency. Last evaluated: 2023-04-06. Review status: criteria provided, single submitter. Criteria: Invitae Variant Classification Sherloc (09022015). Collection method: clinical testing. Allele origin: germline.
Comment: This sequence change replaces arginine, which is basic and polar, with tryptophan, which is neutral and slightly polar, at codon 131 of the PRODH protein (p.Arg131Trp). This variant is present in population databases (rs753625227, gnomAD 0.004%). This variant has not been reported in the literature in individuals affected with PRODH-related conditions. ClinVar contains an entry for this variant (Variation ID: 650558). Advanced modeling of protein sequence and biophysical properties (such as structural, functional, and spatial information, amino acid conservation, physicochemical variation, residue mobility, and thermodynamic stability) performed at Invitae indicates that this missense variant is expected to disrupt PRODH protein function. In summary, the available evidence is currently insufficient to determine the role of this variant in disease. Therefore, it has been classified as a Variant of Uncertain Significance.

Fulgent Genetics
Classification: Uncertain significance for Proline dehydrogenase deficiency; Schizophrenia 4. Last evaluated: 2022-04-08. Review status: criteria provided, single submitter. Criteria: ACMG Guidelines, 2015. Collection method: clinical testing. Allele origin: unknown.

NM_016335.6(PRODH):c.391C>T (p.Arg131Trp)

Gene: PRODH (proline dehydrogenase 1; minus strand). Cytogenetic location: 22q11.21.
Variant type: single nucleotide variant.
Coding change: c.391C>T on transcript NM_016335.6 (MANE Select); coding-DNA position 391, C replaced by T.
Protein change: p.Arg131Trp; replaces arginine 131 with tryptophan.
Molecular consequence: missense variant.
Genome position (GRCh38, 1-based): chr22:18,931,081, G>A on the plus strand (C>T on the coding strand, the complement: PRODH is on the minus strand). VCF-style: chr22-18931081-G-A. GRCh37 (hg19) VCF-style: chr22-18918594-G-A.
Other names: c.67C>T, p.Arg23Trp (NM_001195226.2); short protein forms R23W, R131W.
Identifiers: ClinVar variation 650558 (VCV000650558.9), dbSNP rs753625227, ClinGen allele CA10095455.